The following is an entry in ClinVar:

NM_001267550.2(TTN):c.1212C>T (p.Tyr404=)

Gene: TTN (titin; minus strand). Cytogenetic location: 2q31.2.
Variant type: single nucleotide variant.
Coding change: c.1212C>T on transcript NM_001267550.2 (MANE Select); coding-DNA position 1212, C replaced by T.
Protein change: p.Tyr404=; no amino-acid change (tyrosine 404 retained).
Molecular consequence: synonymous variant.
Genome position (GRCh38, 1-based): chr2:178,794,955, G>A on the plus strand (C>T on the coding strand, the complement: TTN is on the minus strand). VCF-style: chr2-178794955-G-A. GRCh37 (hg19) VCF-style: chr2-179659682-G-A.
Other names: c.1212C>T, p.Tyr404= (NM_003319.4, NM_133378.4, NM_133379.5 and 3 more transcripts).
Identifiers: ClinVar variation 413226 (VCV000413226.25), dbSNP rs139187345, ClinGen allele CA2006119.

ClinVar aggregate classification (germline): Likely benign. Review status: criteria provided, multiple submitters, no conflicts (2 of 4 stars). 8 submissions from 8 submitters: Likely benign (6). 2 of the submissions do not count toward it. Last evaluated 2026-06-01.

Conditions:
Cardiovascular phenotype. Identifiers: MedGen CN230736.
TTN-related disorder. Also called: TTN-related disorders; TTN-related condition; TTN-related disease.
Autosomal recessive limb-girdle muscular dystrophy type 2J (LGMDR10). Also called: Limb-girdle muscular dystrophy, type 2J; MUSCULAR DYSTROPHY, LIMB-GIRDLE, AUTOSOMAL RECESSIVE 10. Identifiers: Orphanet 140922, MedGen C1837342, MONDO:0012127, OMIM 608807.
Dilated cardiomyopathy 1G (CMD1G). Identifiers: Orphanet 154, MedGen C1858763, MONDO:0011400, OMIM 604145.
Cardiomyopathy (CMYO). Also called: Cardiomyopathies. Identifiers: Orphanet 167848, MedGen C0878544, MONDO:0004994, HP:0001638. Inheritance: Various modes of inheritance.

Allele frequency attached by ClinVar (database versions not stated): gnomAD exomes 0.00004 and 0.00012; ExAC 0.00011; 1000 Genomes Project 0.00020; gnomAD 0.00029 and 0.00031; 1000 Genomes Project 30x 0.00031; TOPMed 0.00038; ESP Exome Variant Server 0.00046.
gnomAD v4.1: 108 of 1,604,486 alleles (0.0067%); highest among the groups gnomAD compares: African/African-American, 0.11%; no homozygotes.

Submissions (8):

PreventionGenetics, part of Exact Sciences
Classification: Likely benign for TTN-related condition. Last evaluated: 2026-06-01. Review status: criteria provided, single submitter. Criteria: ACMG Guidelines, 2015. Collection method: clinical testing. Allele origin: germline.
Comment: This variant is classified as likely benign based on ACMG/AMP sequence variant interpretation guidelines (Richards et al. 2015 PMID: 25741868, with internal and published modifications).

Labcorp Genetics (formerly Invitae), Labcorp
Classification: Likely benign for Dilated cardiomyopathy 1G; Autosomal recessive limb-girdle muscular dystrophy type 2J. Last evaluated: 2026-01-07. Review status: criteria provided, single submitter. Criteria: Invitae Variant Classification Sherloc (09022015). Collection method: clinical testing. Allele origin: germline.

Revvity Omics, Revvity
Classification: Likely benign. Last evaluated: 2023-09-07. Review status: criteria provided, single submitter. Criteria: ACMG Guidelines, 2015. Collection method: clinical testing. Allele origin: germline.

GeneDx
Classification: Likely benign. Last evaluated: 2020-02-25. Review status: criteria provided, single submitter. Criteria: GeneDx Variant Classification Process June 2021. Collection method: clinical testing. Allele origin: germline. Affected: yes.

Ambry Genetics
Classification: Likely benign for Cardiovascular phenotype. Last evaluated: 2019-03-29. Review status: criteria provided, single submitter. Criteria: Ambry Variant Classification Scheme 2023. Collection method: clinical testing. Allele origin: germline.

CHEO Genetics Diagnostic Laboratory, Children's Hospital of Eastern Ontario
Classification: Likely benign for Cardiomyopathy. Last evaluated: 2016-06-14. Review status: criteria provided, single submitter. Criteria: ACMG Guidelines, 2015. Collection method: clinical testing. Allele origin: germline. Study: Canadian Open Genetics Repository.

Clinical Genetics DNA and cytogenetics Diagnostics Lab, Erasmus MC, Erasmus Medical Center
Classification: Likely benign. Review status: no assertion criteria provided. Collection method: clinical testing. Allele origin: germline. Affected: yes. Study: VKGL Data-share Consensus. Not counted in ClinVar's aggregate classification.

Clinical Genetics, Academic Medical Center
Classification: Benign. Review status: no assertion criteria provided. Collection method: clinical testing. Allele origin: germline. Affected: yes. Study: VKGL Data-share Consensus. Not counted in ClinVar's aggregate classification.